The following is an entry in ClinVar:

NM_000038.6(APC):c.2666A>G (p.Lys889Arg)

Gene: APC (APC regulator of Wnt signaling pathway; plus strand). Cytogenetic location: 5q22.2.
Variant type: single nucleotide variant.
Coding change: c.2666A>G on transcript NM_000038.6 (MANE Select); coding-DNA position 2666, A replaced by G.
Protein change: p.Lys889Arg; replaces lysine 889 with arginine.
Molecular consequence: missense variant.
Genome position (GRCh38, 1-based): chr5:112,838,260, A>G. VCF-style: chr5-112838260-A-G. GRCh37 (hg19) VCF-style: chr5-112173957-A-G.
Other names: c.2666A>G, p.Lys889Arg (NM_001127510.3, NM_001354895.2); c.2612A>G, p.Lys871Arg (NM_001127511.3); c.2720A>G, p.Lys907Arg (NM_001354896.2); c.2696A>G, p.Lys899Arg (NM_001354897.2); c.2591A>G, p.Lys864Arg (NM_001354898.2); c.2582A>G, p.Lys861Arg (NM_001354899.2); c.2543A>G, p.Lys848Arg (NM_001354900.2); c.2489A>G, p.Lys830Arg (NM_001354901.2); and 5 more; short protein forms K889R, K871R, K729R, K788R, K830R, K907R, K606R, K763R.
Identifiers: ClinVar variation 469765 (VCV000469765.29), dbSNP rs1350986347, ClinGen allele CA16027152.

ClinVar aggregate classification (germline): Uncertain significance. Review status: criteria provided, multiple submitters, no conflicts (2 of 4 stars). 7 submissions from 7 submitters: Uncertain significance (7). Last evaluated 2025-11-09.

Conditions:
Classic or attenuated familial adenomatous polyposis. Identifiers: MedGen CN372698, MONDO:0021057.
Hereditary cancer-predisposing syndrome. Also called: Hereditary neoplastic syndrome; Neoplastic Syndromes, Hereditary; Hereditary Cancer Syndrome; Tumor predisposition. Identifiers: Orphanet 140162, MedGen C0027672, MeSH D009386, MONDO:0015356.
Familial adenomatous polyposis 1 (FAP1). Also called: POLYPOSIS, ADENOMATOUS INTESTINAL; FAMILIAL ADENOMATOUS POLYPOSIS 1, ATTENUATED. Identifiers: MedGen C2713442, MONDO:0021056, OMIM 175100. Disease mechanism: loss of function.

Allele frequency attached by ClinVar (database versions not stated): gnomAD 0.00001; TOPMed 0.00002.
gnomAD v4.1: 4 of 1,614,102 alleles (0.00025%); highest among the groups gnomAD compares: South Asian, 0.0022%; no homozygotes.

Submissions (7):

Labcorp Genetics (formerly Invitae), Labcorp
Classification: Uncertain significance for Familial adenomatous polyposis 1. Last evaluated: 2025-11-09. Review status: criteria provided, single submitter. Criteria: Invitae Variant Classification Sherloc (09022015). Collection method: clinical testing. Allele origin: germline.
Comment: This sequence change replaces lysine, which is basic and polar, with arginine, which is basic and polar, at codon 889 of the APC protein (p.Lys889Arg). This variant is present in population databases (no rsID available, gnomAD 0.007%). This variant has not been reported in the literature in individuals affected with APC-related conditions. ClinVar contains an entry for this variant (Variation ID: 469765). Invitae Evidence Modeling of protein sequence and biophysical properties (such as structural, functional, and spatial information, amino acid conservation, physicochemical variation, residue mobility, and thermodynamic stability) indicates that this missense variant is not expected to disrupt APC protein function with a negative predictive value of 95%. In summary, the available evidence is currently insufficient to determine the role of this variant in disease. Therefore, it has been classified as a Variant of Uncertain Significance.

Center for Genomic Medicine, Rigshospitalet, Copenhagen University Hospital
Classification: Uncertain significance. Last evaluated: 2025-03-04. Review status: criteria provided, single submitter. Criteria: ACMG Guidelines, 2015. Collection method: clinical testing. Allele origin: germline.

Ambry Genetics
Classification: Uncertain significance for Hereditary cancer-predisposing syndrome. Last evaluated: 2024-04-17. Review status: criteria provided, single submitter. Criteria: Ambry Variant Classification Scheme 2023. Collection method: clinical testing. Allele origin: germline.
Comment: The p.K889R variant (also known as c.2666A>G), located in coding exon 15 of the APC gene, results from an A to G substitution at nucleotide position 2666. The lysine at codon 889 is replaced by arginine, an amino acid with highly similar properties. This amino acid position is not well conserved in available vertebrate species. In addition, in silico predictors for this gene do not accurately predict pathogenicity. Since supporting evidence is limited at this time, the clinical significance of this alteration remains unclear.

All of Us Research Program, National Institutes of Health
Classification: Uncertain significance for Classic or attenuated familial adenomatous polyposis. Last evaluated: 2024-02-05. Review status: criteria provided, single submitter. Criteria: ACMG Guidelines, 2015. Collection method: clinical testing. Allele origin: germline. Inheritance: Autosomal dominant inheritance. Observed: 6 variant alleles, 6 heterozygotes.
Comment: This missense variant replaces lysine with arginine at codon 889 of the APC protein. Computational prediction suggests that this variant may not impact protein structure and function (internally defined REVEL score threshold <= 0.5, PMID: 27666373). Splice site prediction tools suggest that this variant may not impact RNA splicing. To our knowledge, functional studies have not been performed for this variant. This variant has not been reported in individuals affected with hereditary cancer in the literature. This variant has been identified in 1/31402 chromosomes in the general population by the Genome Aggregation Database (gnomAD). The available evidence is insufficient to determine the role of this variant in disease conclusively. Therefore, this variant is classified as a Variant of Uncertain Significance.

This study involves interpretation of variants in research participants for the purpose of population health screening. Participant phenotype was not available at the time of variant classification. Additional details can be found in publication PMID: 35346344, PMCID: PMC8962531

Baylor Genetics
Classification: Uncertain significance for Familial adenomatous polyposis 1. Last evaluated: 2024-01-30. Review status: criteria provided, single submitter. Criteria: ACMG Guidelines, 2015. Collection method: clinical testing. Allele origin: unknown.

Color Diagnostics, LLC DBA Color Health
Classification: Uncertain significance for Hereditary cancer-predisposing syndrome. Last evaluated: 2023-02-01. Review status: criteria provided, single submitter. Criteria: ACMG Guidelines, 2015. Collection method: clinical testing. Allele origin: germline.
Comment: This missense variant replaces lysine with arginine at codon 889 of the APC protein. Computational prediction suggests that this variant may not impact protein structure and function (internally defined REVEL score threshold <= 0.5, PMID: 27666373). To our knowledge, functional studies have not been reported for this variant. This variant has not been reported in individuals affected with APC-related disorders in the literature. This variant has been identified in 1/31402 chromosomes in the general population by the Genome Aggregation Database (gnomAD). The available evidence is insufficient to determine the role of this variant in disease conclusively. Therefore, this variant is classified as a Variant of Uncertain Significance.

Blueprint Genetics
Classification: Uncertain significance. Last evaluated: 2023-01-02. Review status: criteria provided, single submitter. Criteria: ACMG Guidelines, 2015. Collection method: clinical testing. Allele origin: germline.